The following is an entry in ClinVar:

NM_032776.3(JMJD1C):c.4216A>G (p.Thr1406Ala)

Gene: JMJD1C (jumonji domain containing 1C; minus strand). Cytogenetic location: 10q21.3.
Variant type: single nucleotide variant.
Coding change: c.4216A>G on transcript NM_032776.3 (MANE Select); coding-DNA position 4216, A replaced by G.
Protein change: p.Thr1406Ala; replaces threonine 1406 with alanine.
Molecular consequence: missense variant. On other transcripts: non-coding transcript variant (1).
Genome position (GRCh38, 1-based): chr10:63,207,453, T>C on the plus strand (A>G on the coding strand, the complement: JMJD1C is on the minus strand). VCF-style: chr10-63207453-T-C. GRCh37 (hg19) VCF-style: chr10-64967213-T-C.
Other names: c.4102A>G, p.Thr1368Ala (NM_001322252.2); c.3559A>G, p.Thr1187Ala (NM_001322254.2, NM_001322258.2); c.3670A>G, p.Thr1224Ala (NM_001282948.2, NM_001318154.2); c.3352A>G, p.Thr1118Ala (NM_001318153.2); short protein forms T1118A, T1187A, T1224A, T1368A, T1406A.
Identifiers: ClinVar variation 1019917 (VCV001019917.8), dbSNP rs757369821, ClinGen allele CA5518302.

ClinVar aggregate classification (germline): Uncertain significance (1 of 4 stars; one submission).

Conditions:
Early Myoclonic Encephalopathy. Identifiers: MedGen C0270855.

Allele frequency attached by ClinVar (database versions not stated): gnomAD 0.00001; gnomAD exomes 0.00001; TOPMed below 0.00001; ExAC 0.00001.
gnomAD v4.1: 13 of 1,614,092 alleles (0.00081%); highest among the groups gnomAD compares: East Asian, 0.0022%; no homozygotes.

Submission:

Labcorp Genetics (formerly Invitae), Labcorp
Classification: Uncertain significance for Early Myoclonic Encephalopathy. Last evaluated: 2022-06-20. Review status: criteria provided, single submitter. Criteria: Invitae Variant Classification Sherloc (09022015). Collection method: clinical testing. Allele origin: germline.
Comment: This sequence change replaces threonine, which is neutral and polar, with alanine, which is neutral and non-polar, at codon 1406 of the JMJD1C protein (p.Thr1406Ala). This variant is present in population databases (rs757369821, gnomAD 0.0009%). This variant has not been reported in the literature in individuals affected with JMJD1C-related conditions. ClinVar contains an entry for this variant (Variation ID: 1019917). Algorithms developed to predict the effect of missense changes on protein structure and function output the following: SIFT: "Deleterious"; PolyPhen-2: "Benign"; Align-GVGD: "Class C0". The alanine amino acid residue is found in multiple mammalian species, which suggests that this missense change does not adversely affect protein function. In summary, the available evidence is currently insufficient to determine the role of this variant in disease. Therefore, it has been classified as a Variant of Uncertain Significance.